The following is an entry in ClinVar:

NM_001378974.1(FBXW11):c.1639G>A (p.Ala547Thr)

Gene: FBXW11 (F-box and WD repeat domain containing 11; minus strand). Cytogenetic location: 5q35.1.
Variant type: single nucleotide variant.
Coding change: c.1639G>A on transcript NM_001378974.1 (MANE Select); coding-DNA position 1639, G replaced by A.
Protein change: p.Ala547Thr; replaces alanine 547 with threonine.
Molecular consequence: missense variant.
Genome position (GRCh38, 1-based): chr5:171,868,688, C>T on the plus strand (G>A on the coding strand, the complement: FBXW11 is on the minus strand). VCF-style: chr5-171868688-C-T. GRCh37 (hg19) VCF-style: chr5-171295692-C-T.
Other names: c.1570G>A, p.Ala524Thr (NM_001378975.1); c.1543G>A, p.Ala515Thr (NM_001378976.1); c.1480G>A, p.Ala494Thr (NM_001378977.1, NM_001378978.1, NM_001378979.1); c.1474G>A, p.Ala492Thr (NM_001378980.1, NM_033645.3); c.1576G>A, p.Ala526Thr (NM_012300.3); c.1537G>A, p.Ala513Thr (NM_033644.3); short protein forms A524T, A547T, A492T, A513T, A515T, A494T, A526T.
Identifiers: ClinVar variation 5000654 (VCV005000654.1).
Genomic context (GRCh38, chr5:171,868,688, plus strand): 5'-CAGACTGTTATCTAGAGATGTAAGTGTATGTTCTGGAGGGAGAACGGGTCTCATTCTGGG[C>T]ACTGGGAGGCACATTTAAGAAATCCCAAATCAAAATAGTGTCATCATGGGAGCTGCTGAT-3'
Protein context (NP_001365903.1, residues 537-557): IWDFLNVPPS[Ala547Thr]QNETRSPSRT

ClinVar aggregate classification (germline): Uncertain significance (1 of 4 stars; one submission).

Conditions:
FBXW11-related disorder. Also called: FBXW11-related condition.

Submission:

PreventionGenetics, part of Exact Sciences
Classification: Uncertain significance for FBXW11-related condition. Last evaluated: 2024-12-13. Review status: criteria provided, single submitter. Criteria: ACMG Guidelines, 2015. Collection method: clinical testing. Allele origin: germline.
Comment: The FBXW11 c.1576G>A variant is predicted to result in the amino acid substitution p.Ala526Thr. To our knowledge, this variant has not been reported in the literature. This variant is reported in 0.0033% of alleles in individuals of South Asian descent in gnomAD. At this time, the clinical significance of this variant is uncertain due to the absence of conclusive functional and genetic evidence.